The following is an entry in ClinVar:

ClinVar aggregate classification (germline): Uncertain significance (1 of 4 stars; one submission).

Conditions:
Menkes kinky-hair syndrome (MNK). Also called: Copper transport disease; Menkes Disease; Classic Menkes Disease. Identifiers: Orphanet 565, MedGen C0022716, MONDO:0010651, OMIM 309400.
Cutis laxa, X-linked (OHS). Also called: EDS IX; Occipital horn syndrome. Identifiers: Orphanet 198, MedGen C0268353, MONDO:0010572, OMIM 304150.
X-linked distal spinal muscular atrophy type 3. Also called: ATP7A-Related Distal Motor Neuropathy; SPINAL MUSCULAR ATROPHY, DISTAL, X-LINKED RECESSIVE; NEURONOPATHY, DISTAL HEREDITARY MOTOR, X-LINKED; NEUROPATHY, DISTAL HEREDITARY MOTOR, X-LINKED. Identifiers: Orphanet 139557, MedGen C1845359, MONDO:0010338, OMIM 300489.

Allele frequency attached by ClinVar (database versions not stated): gnomAD exomes below 0.00001; gnomAD 0.00001; TOPMed 0.00001.
gnomAD v4.1: 3 of 1,208,929 alleles (0.00025%); highest among the groups gnomAD compares: African/African-American, 0.0052%; no homozygotes.

Submission:

Labcorp Genetics (formerly Invitae), Labcorp
Classification: Uncertain significance for X-linked distal spinal muscular atrophy type 3; Cutis laxa, X-linked; Menkes kinky-hair syndrome. Last evaluated: 2024-01-26. Review status: criteria provided, single submitter. Criteria: Invitae Variant Classification Sherloc (09022015). Collection method: clinical testing. Allele origin: germline.
Comment: This sequence change replaces glutamine, which is neutral and polar, with leucine, which is neutral and non-polar, at codon 1176 of the ATP7A protein (p.Gln1176Leu). This variant is not present in population databases (gnomAD no frequency). This variant has not been reported in the literature in individuals affected with ATP7A-related conditions. Advanced modeling of protein sequence and biophysical properties (such as structural, functional, and spatial information, amino acid conservation, physicochemical variation, residue mobility, and thermodynamic stability) performed at Invitae indicates that this missense variant is not expected to disrupt ATP7A protein function with a negative predictive value of 95%. In summary, the available evidence is currently insufficient to determine the role of this variant in disease. Therefore, it has been classified as a Variant of Uncertain Significance.

NM_000052.7(ATP7A):c.3527A>T (p.Gln1176Leu)

Gene: ATP7A (ATPase copper transporting alpha; plus strand). Cytogenetic location: Xq21.1.
Variant type: single nucleotide variant.
Coding change: c.3527A>T on transcript NM_000052.7 (MANE Select); coding-DNA position 3527, A replaced by T.
Protein change: p.Gln1176Leu; replaces glutamine 1176 with leucine.
Molecular consequence: missense variant. On other transcripts: non-coding transcript variant (1).
Genome position (GRCh38, 1-based): chrX:78,038,851, A>T. VCF-style: chrX-78038851-A-T. GRCh37 (hg19) VCF-style: chrX-77294349-A-T.
Other names: c.3293A>T, p.Gln1098Leu (NM_001282224.2); short protein forms Q1098L, Q1176L.
Identifiers: ClinVar variation 2939086 (VCV002939086.3), dbSNP rs1250288679, ClinGen allele CA413604374.